The following is an entry in ClinVar:

ClinVar aggregate classification (germline): Likely benign (1 of 4 stars; one submission).

Submission:

GeneDx
Classification: Likely benign. Last evaluated: 2018-06-16. Review status: criteria provided, single submitter. Criteria: GeneDx Variant Classification (06012015). Collection method: clinical testing. Allele origin: germline. Affected: yes.
Comment: This variant is considered likely benign or benign based on one or more of the following criteria: it is a conservative change, it occurs at a poorly conserved position in the protein, it is predicted to be benign by multiple in silico algorithms, and/or has population frequency not consistent with disease.

NM_020381.4(PDSS2):c.630+234_630+251del

Gene: PDSS2 (decaprenyl diphosphate synthase subunit 2; minus strand). Cytogenetic location: 6q21.
Variant type: Deletion.
Coding change: c.630+234_630+251del on transcript NM_020381.4 (MANE Select); bases 234 to 251 of the intron after coding-DNA position 630, 18 bases deleted (TATAGGATAGGGTTAAAT).
Molecular consequence: intron variant.
Genome position (GRCh38, 1-based): chr6:107,273,778-107,273,795, ATTTAACCCTATCCTATA deleted on the plus strand (TATAGGATAGGGTTAAAT on the coding strand, the reverse complement: PDSS2 is on the minus strand); deleting any 18 consecutive bases within chr6:107,273,778-107,273,798 gives the same sequence; the c. name uses the placement nearest the transcript's 3' end. VCF-style (leftmost placement, unchanged base first): chr6-107273777-GATTTAACCCTATCCTATA-G. GRCh37 (hg19) VCF-style: chr6-107594981-GATTTAACCCTATCCTATA-G.
Identifiers: ClinVar variation 673512 (VCV000673512.1), dbSNP rs531992991, ClinGen allele CA145604355.
Genomic context (GRCh38, chr6:107,273,777, plus strand): 5'-TGATTATCTCTGGATAGTGGGATTATAGGTAATATTTACTTACATTTTCTTTGTTTTGAA[GATTTAACCCTATCCTATA>G]ATTAATAATTTCATCCATAATCAGAAAAAAAATTACTCTCAAAACTCTTTCCTAGCATTT-3'